The following is an entry in ClinVar:

NM_001369.3(DNAH5):c.438+6G>A

Gene: DNAH5 (dynein axonemal heavy chain 5; minus strand). Cytogenetic location: 5p15.2.
Variant type: single nucleotide variant.
Coding change: c.438+6G>A on transcript NM_001369.3 (MANE Select); 6 bases into the intron after coding-DNA position 438, G replaced by A.
Molecular consequence: intron variant.
Genome position (GRCh38, 1-based): chr5:13,923,274, C>T on the plus strand (G>A on the coding strand, the complement: DNAH5 is on the minus strand). VCF-style: chr5-13923274-C-T. GRCh37 (hg19) VCF-style: chr5-13923383-C-T.
Other names: c.438+6G>A (NM_001369.2).
Identifiers: ClinVar variation 1385360 (VCV001385360.4), dbSNP rs2151997008, ClinGen allele CA2573138493.

ClinVar aggregate classification (germline): Uncertain significance. Review status: criteria provided, single submitter (1 of 4 stars). 2 submissions from 2 submitters: Uncertain significance (1). 1 of the submissions does not count toward it. Last evaluated 2021-09-25.

Conditions:
Primary ciliary dyskinesia. Also called: Ciliary dyskinesia. Identifiers: Orphanet 244, MedGen C0008780, MONDO:0016575, HP:0012265.

gnomAD v4.1: 1 of 1,614,076 alleles (0.000062%); highest among the groups gnomAD compares: Middle Eastern, 0.017%; no homozygotes.

Submissions (2):

Labcorp Genetics (formerly Invitae), Labcorp
Classification: Uncertain significance for Primary ciliary dyskinesia. Last evaluated: 2021-09-25. Review status: criteria provided, single submitter. Criteria: Invitae Variant Classification Sherloc (09022015). Collection method: clinical testing. Allele origin: germline.
Comment: This sequence change falls in intron 4 of the DNAH5 gene. It does not directly change the encoded amino acid sequence of the DNAH5 protein, but it affects a nucleotide within the consensus splice site of the intron. This variant is not present in population databases (ExAC no frequency). This variant has not been reported in the literature in individuals with DNAH5-related disease. Nucleotide substitutions within the consensus splice site are a relatively common cause of aberrant splicing (PMID: 17576681, 9536098). Algorithms developed to predict the effect of sequence changes on RNA splicing suggest that this variant is not likely to affect RNA splicing, but this prediction has not been confirmed by published transcriptional studies. In summary, the available evidence is currently insufficient to determine the role of this variant in disease. Therefore, it has been classified as a Variant of Uncertain Significance.

Natera, Inc.
Classification: Uncertain significance for Primary ciliary dyskinesia. Last evaluated: 2025-03-06. Review status: no assertion criteria provided. Collection method: clinical testing. Allele origin: germline. Not counted in ClinVar's aggregate classification.

Literature cited by the submitters: PubMed 17576681 (cited by Labcorp Genetics (formerly Invitae), Labcorp); PubMed 9536098 (cited by Labcorp Genetics (formerly Invitae), Labcorp).